The following is an entry in ClinVar:

ClinVar aggregate classification (germline): Likely pathogenic (1 of 4 stars; one submission).

Conditions:
Dilated cardiomyopathy 1P (CMD1P). Identifiers: Orphanet 154, MedGen C1835928, MONDO:0012362, OMIM 609909.

Submission:

Labcorp Genetics (formerly Invitae), Labcorp
Classification: Likely pathogenic for Dilated cardiomyopathy 1P. Last evaluated: 2024-02-05. Review status: criteria provided, single submitter. Criteria: Invitae Variant Classification Sherloc (09022015). Collection method: clinical testing. Allele origin: germline.
Comment: This sequence change replaces arginine, which is basic and polar, with leucine, which is neutral and non-polar, at codon 9 of the PLN protein (p.Arg9Leu). This variant is not present in population databases (gnomAD no frequency). This missense change has been observed in individuals with dilated cardiomyopathy (PMID: 22137083, 25928149). An algorithm developed to predict the effect of missense changes on protein structure and function (PolyPhen-2) suggests that this variant is likely to be disruptive. Experimental studies have shown that this missense change affects PLN function (PMID: 22427649, 22707725, 25563649). This variant disrupts the p.Arg9 amino acid residue in PLN. Other variant(s) that disrupt this residue have been determined to be pathogenic (PMID: 12610310, 25593317, 25928149, 26917049; Invitae). This suggests that this residue is clinically significant, and that variants that disrupt this residue are likely to be disease-causing. In summary, the currently available evidence indicates that the variant is pathogenic, but additional data are needed to prove that conclusively. Therefore, this variant has been classified as Likely Pathogenic.

Literature cited by the submitters: PubMed 22137083; PubMed 25928149; PubMed 22427649; PubMed 22707725; PubMed 25563649; PubMed 12610310; PubMed 25593317; PubMed 26917049.

NM_002667.5(PLN):c.26G>T (p.Arg9Leu)

Genes: PLN (phospholamban; plus strand), CEP85L (centrosomal protein 85L; minus strand). Cytogenetic location: 6q22.31.
Variant type: single nucleotide variant.
Coding change: c.26G>T on transcript NM_002667.5 (MANE Select); coding-DNA position 26, G replaced by T.
Protein change: p.Arg9Leu; replaces arginine 9 with leucine.
Molecular consequence: missense variant. On other transcripts: intron variant (3).
Genome position (GRCh38, 1-based): chr6:118,558,947, G>T. VCF-style: chr6-118558947-G-T. GRCh37 (hg19) VCF-style: chr6-118880110-G-T.
Other names: c.1029+6582C>A (NM_001178035.2); c.1020+6582C>A (NM_001042475.3, NM_206921.3); short protein forms R9L.
Identifiers: ClinVar variation 3720713 (VCV003720713.2).
Genomic context (GRCh38, chr6:118,558,947, plus strand): 5'-ACTTAAAACTTCAGACTTCCTGTCCTGCTGGTATCATGGAGAAAGTCCAATACCTCACTC[G>T]CTCAGCTATAAGAAGAGCCTCAACCATTGAAATGCCTCAACAAGCACGTCAAAAGCTACA-3'
Protein context (NP_002658.1, residues 1-19): MEKVQYLT[Arg9Leu]SAIRRASTIE